The following is an entry in ClinVar:

NM_000275.3(OCA2):c.1174T>C (p.Phe392Leu)

Gene: OCA2 (OCA2 melanosomal transmembrane protein; minus strand). Cytogenetic location: 15q13.1.
Variant type: single nucleotide variant.
Coding change: c.1174T>C on transcript NM_000275.3 (MANE Select); coding-DNA position 1174, T replaced by C.
Protein change: p.Phe392Leu; replaces phenylalanine 392 with leucine.
Molecular consequence: missense variant.
Genome position (GRCh38, 1-based): chr15:27,989,609, A>G on the plus strand (T>C on the coding strand, the complement: OCA2 is on the minus strand). VCF-style: chr15-27989609-A-G. GRCh37 (hg19) VCF-style: chr15-28234755-A-G.
Other names: c.1102T>C, p.Phe368Leu (NM_001300984.2); short protein forms F392L, F368L.
Identifiers: ClinVar variation 2001483 (VCV002001483.4), dbSNP rs1276381840, ClinGen allele CA391361836.

ClinVar aggregate classification (germline): Uncertain significance (1 of 4 stars; one submission).

Allele frequency attached by ClinVar (database versions not stated): TOPMed below 0.00001; gnomAD 0.00001.
gnomAD v4.1: 2 of 1,613,934 alleles (0.00012%); highest among the groups gnomAD compares: African/African-American, 0.0013%; no homozygotes.

Submission:

Labcorp Genetics (formerly Invitae), Labcorp
Classification: Uncertain significance. Last evaluated: 2023-07-17. Review status: criteria provided, single submitter. Criteria: Invitae Variant Classification Sherloc (09022015). Collection method: clinical testing. Allele origin: germline.
Comment: This variant is present in population databases (no rsID available, gnomAD 0.01%). This sequence change replaces phenylalanine, which is neutral and non-polar, with leucine, which is neutral and non-polar, at codon 392 of the OCA2 protein (p.Phe392Leu). This variant has not been reported in the literature in individuals affected with OCA2-related conditions. In summary, the available evidence is currently insufficient to determine the role of this variant in disease. Therefore, it has been classified as a Variant of Uncertain Significance. Advanced modeling of protein sequence and biophysical properties (such as structural, functional, and spatial information, amino acid conservation, physicochemical variation, residue mobility, and thermodynamic stability) performed at Invitae indicates that this missense variant is not expected to disrupt OCA2 protein function. ClinVar contains an entry for this variant (Variation ID: 2001483).